The following is an entry in ClinVar:

ClinVar aggregate classification (germline): Uncertain significance (1 of 4 stars; one submission).

Allele frequency attached by ClinVar (database versions not stated): TOPMed 0.00002; gnomAD exomes 0.00003; 1000 Genomes Project 30x 0.00016; ExAC 0.00017.
gnomAD v4.1: 16 of 1,547,568 alleles (0.001%); highest among the groups gnomAD compares: East Asian, 0.038%; no homozygotes.

Submission:

Labcorp Genetics (formerly Invitae), Labcorp
Classification: Uncertain significance. Last evaluated: 2021-05-03. Review status: criteria provided, single submitter. Criteria: Invitae Variant Classification Sherloc (09022015). Collection method: clinical testing. Allele origin: germline.
Comment: This variant has not been reported in the literature in individuals with TUBA8-related conditions. Algorithms developed to predict the effect of sequence changes on RNA splicing suggest that this variant may disrupt the consensus splice site, but this prediction has not been confirmed by published transcriptional studies. In summary, the available evidence is currently insufficient to determine the role of this variant in disease. Therefore, it has been classified as a Variant of Uncertain Significance. This sequence change affects a donor splice site in intron 1 of the TUBA8 gene. It is expected to disrupt RNA splicing. Variants that disrupt the donor or acceptor splice site typically lead to a loss of protein function (PMID: 16199547), however the current clinical and genetic evidence is not sufficient to establish whether loss-of-function variants in TUBA8 cause disease. This variant is present in population databases (rs775244571, ExAC 0.3%).

Literature cited by the submitters: PubMed 16199547.

NM_018943.3(TUBA8):c.3+2T>G

Genes: TUBA8 (tubulin alpha 8; plus strand), LOC130066945 (ATAC-STARR-seq lymphoblastoid silent region 13449; plus strand). Cytogenetic location: 22q11.21.
Variant type: single nucleotide variant.
Coding change: c.3+2T>G on transcript NM_018943.3 (MANE Select); the canonical splice donor site of the intron after coding-DNA position 3, T replaced by G.
Molecular consequence: splice donor variant. On other transcripts: intron variant (1).
Genome position (GRCh38, 1-based): chr22:18,110,870, T>G. VCF-style: chr22-18110870-T-G. GRCh37 (hg19) VCF-style: chr22-18593636-T-G.
Other names: c.-196+31T>G (NM_001193414.2).
Identifiers: ClinVar variation 1350951 (VCV001350951.8), dbSNP rs775244571, ClinGen allele CA10093523.